The following is an entry in ClinVar:

NM_013336.4(SEC61A1):c.571A>G (p.Ile191Val)

Gene: SEC61A1 (SEC61 translocon subunit alpha 1; plus strand). Cytogenetic location: 3q21.3.
Variant type: single nucleotide variant.
Coding change: c.571A>G on transcript NM_013336.4 (MANE Select); coding-DNA position 571, A replaced by G.
Protein change: p.Ile191Val; replaces isoleucine 191 with valine.
Molecular consequence: missense variant.
Genome position (GRCh38, 1-based): chr3:128,060,616, A>G. VCF-style: chr3-128060616-A-G. GRCh37 (hg19) VCF-style: chr3-127779459-A-G.
Other names: c.589A>G, p.Ile197Val (NM_001400328.1); c.412A>G, p.Ile138Val (NM_001400329.1); short protein forms I138V, I191V, I197V.
Identifiers: ClinVar variation 4808354 (VCV004808354.1).

ClinVar aggregate classification (germline): Uncertain significance (1 of 4 stars; one submission).

Submission:

Labcorp Genetics (formerly Invitae), Labcorp
Classification: Uncertain significance. Last evaluated: 2025-09-30. Review status: criteria provided, single submitter. Criteria: Invitae Variant Classification Sherloc (09022015). Collection method: clinical testing. Allele origin: germline.
Comment: This sequence change replaces isoleucine, which is neutral and non-polar, with valine, which is neutral and non-polar, at codon 191 of the SEC61A1 protein (p.Ile191Val). This variant is not present in population databases (gnomAD no frequency). This variant has not been reported in the literature in individuals affected with SEC61A1-related conditions. Invitae Evidence Modeling of protein sequence and biophysical properties (such as structural, functional, and spatial information, amino acid conservation, physicochemical variation, residue mobility, and thermodynamic stability) indicates that this missense variant is not expected to disrupt SEC61A1 protein function with a negative predictive value of 80%. In summary, the available evidence is currently insufficient to determine the role of this variant in disease. Therefore, it has been classified as a Variant of Uncertain Significance.